The following is an entry in ClinVar:

NM_020975.6(RET):c.5C>A (p.Ala2Glu)

Genes: RET (ret proto-oncogene; plus strand), LOC106736614 (RET 5' regulatory region; plus strand). Cytogenetic location: 10q11.21.
Variant type: single nucleotide variant.
Coding change: c.5C>A on transcript NM_020975.6 (MANE Select); coding-DNA position 5, C replaced by A.
Protein change: p.Ala2Glu; replaces alanine 2 with glutamic acid.
Molecular consequence: missense variant.
Genome position (GRCh38, 1-based): chr10:43,077,263, C>A. VCF-style: chr10-43077263-C-A. GRCh37 (hg19) VCF-style: chr10-43572711-C-A.
Other names: c.5C>A, p.Ala2Glu (NM_000323.2, NM_001406743.1, NM_001406744.1 and 38 more transcripts); short protein forms A2E.
Identifiers: ClinVar variation 2914324 (VCV002914324.2), dbSNP rs1837063635, ClinGen allele CA376768001.

ClinVar aggregate classification (germline): Uncertain significance. Review status: criteria provided, multiple submitters, no conflicts (2 of 4 stars). 2 submissions from 2 submitters: Uncertain significance (2). Last evaluated 2024-04-25.

Conditions:
Multiple endocrine neoplasia, type 2 (MEN2). Identifiers: Orphanet 653, MedGen C4048306, MONDO:0019003. Disease mechanism: gain of function.
Hereditary cancer-predisposing syndrome. Also called: Neoplastic Syndromes, Hereditary; Tumor predisposition; Hereditary Cancer Syndrome; Hereditary neoplastic syndrome. Identifiers: Orphanet 140162, MedGen C0027672, MeSH D009386, MONDO:0015356.

Submissions (2):

Ambry Genetics
Classification: Uncertain significance for Hereditary cancer-predisposing syndrome. Last evaluated: 2024-04-25. Review status: criteria provided, single submitter. Criteria: Ambry Variant Classification Scheme 2023. Collection method: clinical testing. Allele origin: germline.
Comment: The p.A2E variant (also known as c.5C>A), located in coding exon 1 of the RET gene, results from a C to A substitution at nucleotide position 5. The alanine at codon 2 is replaced by glutamic acid, an amino acid with dissimilar properties. This amino acid position is highly conserved in available vertebrate species. In addition, the in silico prediction for this alteration is inconclusive. Based on the available evidence, the clinical significance of this variant remains unclear.

Labcorp Genetics (formerly Invitae), Labcorp
Classification: Uncertain significance for Multiple endocrine neoplasia, type 2. Last evaluated: 2022-12-29. Review status: criteria provided, single submitter. Criteria: Invitae Variant Classification Sherloc (09022015). Collection method: clinical testing. Allele origin: germline.
Comment: In summary, the available evidence is currently insufficient to determine the role of this variant in disease. Therefore, it has been classified as a Variant of Uncertain Significance. Algorithms developed to predict the effect of missense changes on protein structure and function output the following: SIFT: "Deleterious"; PolyPhen-2: "Possibly Damaging"; Align-GVGD: "Class C0". The glutamic acid amino acid residue is found in multiple mammalian species, which suggests that this missense change does not adversely affect protein function. This variant has not been reported in the literature in individuals affected with RET-related conditions. This variant is not present in population databases (gnomAD no frequency). This sequence change replaces alanine, which is neutral and non-polar, with glutamic acid, which is acidic and polar, at codon 2 of the RET protein (p.Ala2Glu).